The following is an entry in ClinVar:

NM_001308093.3(GATA4):c.386C>T (p.Ala129Val)

Gene: GATA4 (GATA binding protein 4). Cytogenetic location: 8p23.1.
Variant type: single nucleotide variant.
Coding change: c.386C>T on transcript NM_001308093.3 (MANE Select); coding-DNA position 386, C replaced by T.
Protein change: p.Ala129Val; replaces alanine 129 with valine.
Molecular consequence: missense variant. On other transcripts: intron variant (3).
Genome position (GRCh38, 1-based): chr8:11,708,698, C>T. VCF-style: chr8-11708698-C-T. GRCh37 (hg19) VCF-style: chr8-11566207-C-T.
Other names: c.386C>T, p.Ala129Val (NM_002052.5); c.-6+7920C>T (NM_001308094.2); c.-3+684C>T (NM_001374274.1); c.-3+4394C>T (NM_001374273.1); short protein forms A129V.
Identifiers: ClinVar variation 1314298 (VCV001314298.2), dbSNP rs1316303127, ClinGen allele CA370309515.
Genomic context (GRCh38, chr8:11,708,698, plus strand): 5'-CCTTCCCGGGGACCACCGGGTCCCTGGCGGCCGCCGCCGCCGCTGCCGCGGCCCGGGAAG[C>T]TGCGGCCTACAGCAGTGGCGGCGGAGCGGCGGGTGCGGGCCTGGCGGGCCGCGAGCAGTA-3'
Protein context (NP_001295022.1, residues 119-139): AAAAAAAARE[Ala129Val]AAYSSGGGAA

ClinVar aggregate classification (germline): Uncertain significance (1 of 4 stars; one submission).

Allele frequency attached by ClinVar (database versions not stated): gnomAD 0.00001; TOPMed 0.00001.

Submission:

GeneDx
Classification: Uncertain significance. Last evaluated: 2021-04-02. Review status: criteria provided, single submitter. Criteria: GeneDx Variant Classification Process June 2021. Collection method: clinical testing. Allele origin: germline. Affected: yes.
Comment: Has not been previously published as pathogenic or benign to our knowledge; Not observed in large population cohorts (Lek et al., 2016); In silico analysis supports that this missense variant does not alter protein structure/function